The following is an entry in ClinVar:

NM_020708.5(SLC12A5):c.2499C>T (p.His833=)

Gene: SLC12A5 (solute carrier family 12 member 5; plus strand). Cytogenetic location: 20q13.12.
Variant type: single nucleotide variant.
Coding change: c.2499C>T on transcript NM_020708.5 (MANE Select); coding-DNA position 2499, C replaced by T.
Protein change: p.His833=; no amino-acid change (histidine 833 retained).
Molecular consequence: synonymous variant.
Genome position (GRCh38, 1-based): chr20:46,053,078, C>T. VCF-style: chr20-46053078-C-T. GRCh37 (hg19) VCF-style: chr20-44681717-C-T.
Other names: c.2568C>T, p.His856= (NM_001134771.2).
Identifiers: ClinVar variation 771248 (VCV000771248.37), dbSNP rs371925559, ClinGen allele CA9887622.
Genomic context (GRCh38, chr20:46,053,078, plus strand): 5'-GTTTCCTGGGAACCCTGAGCGCTTCTCTGAGGGCAGCATCGACGTTTGGTGGATTGTGCA[C>T]GATGGAGGCATGCTCATGCTGCTGCCCTTCCTGCTGCGGCACCACAAGGTGAGTTGTGTG-3'
Protein context (NP_065759.1, residues 823-843): EGSIDVWWIV[His833=]DGGMLMLLPF

ClinVar aggregate classification (germline): Likely benign. Review status: criteria provided, multiple submitters, no conflicts (2 of 4 stars). 4 submissions from 4 submitters: Likely benign (3). 1 of the submissions does not count toward it. Last evaluated 2026-06-01.

Conditions:
Developmental and epileptic encephalopathy, 34 (DEE34). Also called: Early infantile epileptic encephalopathy 34; SLC12A5-Related Epilepsy of Infancy with Migrating Focal Seizures. Identifiers: Orphanet 293181, MedGen C4225257, MONDO:0014718, OMIM 616645.
SLC12A5-related disorder. Also called: SLC12A5-related condition.

Allele frequency attached by ClinVar (database versions not stated): gnomAD exomes 0.00006 and 0.00014; ExAC 0.00007; gnomAD 0.00011; TOPMed 0.00012; ESP Exome Variant Server 0.00023.
gnomAD v4.1: 213 of 1,613,930 alleles (0.013%); highest among the groups gnomAD compares: Non-Finnish European, 0.017%; no homozygotes.

Submissions (4):

CeGaT Center for Human Genetics Tuebingen
Classification: Likely benign. Last evaluated: 2026-06-01. Review status: criteria provided, single submitter. Criteria: CeGaT Center For Human Genetics Tuebingen Variant Classification Criteria Version 2. Collection method: clinical testing. Allele origin: germline. Affected: yes. Observed: 2 variant alleles.
Comment: SLC12A5: BP4, BP7

Labcorp Genetics (formerly Invitae), Labcorp
Classification: Likely benign for Developmental and epileptic encephalopathy, 34. Last evaluated: 2025-12-15. Review status: criteria provided, single submitter. Criteria: Invitae Variant Classification Sherloc (09022015). Collection method: clinical testing. Allele origin: germline.

Blueprint Genetics
Classification: Likely benign. Last evaluated: 2024-09-03. Review status: criteria provided, single submitter. Criteria: ACMG Guidelines, 2015. Collection method: clinical testing. Allele origin: germline.

PreventionGenetics, part of Exact Sciences
Classification: Likely benign for SLC12A5-related condition. Last evaluated: 2019-04-02. Review status: no assertion criteria provided. Collection method: clinical testing. Allele origin: germline. Not counted in ClinVar's aggregate classification.
Comment: This variant is classified as likely benign based on ACMG/AMP sequence variant interpretation guidelines (Richards et al. 2015 PMID: 25741868, with internal and published modifications).